The following is an entry in ClinVar:

ClinVar aggregate classification (germline): Likely pathogenic (1 of 4 stars; one submission).

Conditions:
Inborn genetic diseases. Identifiers: MedGen C0950123, MeSH D030342.

Submission:

Ambry Genetics
Classification: Likely pathogenic for Inborn genetic diseases. Last evaluated: 2019-03-11. Review status: criteria provided, single submitter. Criteria: Ambry Variant Classification Scheme 2023. Collection method: clinical testing. Allele origin: germline.
Comment: The alteration is predicted to abolish the native donor splice site: _x000D_ _x000D_ The c.105+2T>G alteration is in intron 2 of the EFTUD2 gene and results from a T to G substitution at nucleotide position 105+2. Alterations that disrupt the canonical splice donor site are typically deleterious in nature (Richards, 2015). The alteration is not observed in population databases:_x000D_ _x000D_ Based on data from the Genome Aggregation Database (gnomAD), the EFTUD2 c.105+2T>G alteration was not observed, with coverage at this position. The altered nucleotide is conserved throughout evolution:_x000D_ _x000D_ The c.105+2T nucleotide is conserved in available vertebrate species. The alteration is predicted to affect splicing by in silico models:_x000D_ _x000D_ Based on BDGP and ESEfinder splice site in silico tools, this alteration is predicted to abolish the native splice donor site; however, direct evidence is unavailable. Based on the available evidence, this alteration is classified as likely pathogenic.

NM_004247.4(EFTUD2):c.105+2T>G

Gene: EFTUD2 (elongation factor Tu GTP binding domain containing 2; minus strand). Cytogenetic location: 17q21.31.
Variant type: single nucleotide variant.
Coding change: c.105+2T>G on transcript NM_004247.4 (MANE Select); the canonical splice donor site of the intron after coding-DNA position 105, T replaced by G.
Molecular consequence: splice donor variant. On other transcripts: intron variant (1).
Genome position (GRCh38, 1-based): chr17:44,894,415, A>C on the plus strand (T>G on the coding strand, the complement: EFTUD2 is on the minus strand). VCF-style: chr17-44894415-A-C. GRCh37 (hg19) VCF-style: chr17-42971783-A-C.
Other names: c.-1+4954T>G (NM_001142605.2); c.105+2T>G (NM_001258354.2, NM_001258353.2).
Identifiers: ClinVar variation 985834 (VCV000985834.5), dbSNP rs2051339634, ClinGen allele CA399826751.
Genomic context (GRCh38, chr17:44,894,415, plus strand): 5'-TGAGATCTTGTCTTAAATAAAATAAATAAGAGTGAGATAAAAGAGCAATATATTTGTTTT[A>C]CCTCATCAAGATCTTTGGTCTCTCTACCCAATTCATCATCATCTTCATCAGAATCAAGCT-3'